The following is an entry in ClinVar:

NM_001173464.2(KIF21A):c.-19A>G

Gene: KIF21A (kinesin family member 21A; minus strand). Cytogenetic location: 12q12.
Variant type: single nucleotide variant.
Coding change: c.-19A>G on transcript NM_001173464.2 (MANE Select); 19 bases upstream of the start codon, A replaced by G.
Molecular consequence: 5 prime UTR variant.
Genome position (GRCh38, 1-based): chr12:39,442,989, T>C on the plus strand (A>G on the coding strand, the complement: KIF21A is on the minus strand). VCF-style: chr12-39442989-T-C. GRCh37 (hg19) VCF-style: chr12-39836791-T-C.
Other names: c.-19A>G (NM_001173463.2, NM_001173465.2, NM_017641.4).
Identifiers: ClinVar variation 308593 (VCV000308593.5), dbSNP rs139423015, ClinGen allele CA6511359.

ClinVar aggregate classification (germline): Benign (1 of 4 stars; one submission).

Conditions:
Congenital fibrosis of extraocular muscles type 1. Also called: CFEOM3B; BLEPHAROPTOSIS WITH ABSENT EYE MOVEMENTS; OPHTHALMOPLEGIA, CONGENITAL; FEOM1 LOCUS. Identifiers: MedGen C1851102, MONDO:0021083, OMIM 135700.

Allele frequency attached by ClinVar (database versions not stated): gnomAD exomes 0.00159 and 0.00448; gnomAD 0.00199 and 0.00135; ExAC 0.00216; TOPMed 0.00263; 1000 Genomes Project 30x 0.01031; 1000 Genomes Project 0.01138.
gnomAD v4.1: 2,558 of 1,518,006 alleles (0.17%); highest among the groups gnomAD compares: East Asian, 5.5%; 60 homozygotes.

Submission:

Illumina Laboratory Services, Illumina
Classification: Benign for Congenital fibrosis of extraocular muscles type 1. Last evaluated: 2018-01-12. Review status: criteria provided, single submitter. Criteria: ICSL Variant Classification Criteria 13 December 2019. Collection method: clinical testing. Allele origin: germline.
Comment: This variant was observed in the ICSL laboratory as part of a predisposition screen in an ostensibly healthy population. It had not been previously curated by ICSL or reported in the Human Gene Mutation Database (HGMD: prior to June 1st, 2018), and was therefore a candidate for classification through an automated scoring system. Utilizing variant allele frequency, disease prevalence and penetrance estimates, and inheritance mode, an automated score was calculated to assess if this variant is too frequent to cause the disease. Based on the score and internal cut-off values, a variant classified as benign is not then subjected to further curation. The score for this variant resulted in a classification of benign for this disease.